The following is an entry in ClinVar:

NM_000368.5(TSC1):c.211-3C>T

Gene: TSC1 (TSC complex subunit 1; minus strand). Cytogenetic location: 9q34.13.
Variant type: single nucleotide variant.
Coding change: c.211-3C>T on transcript NM_000368.5 (MANE Select); 3 bases into the intron before coding-DNA position 211, C replaced by T.
Molecular consequence: intron variant.
Genome position (GRCh38, 1-based): chr9:132,925,742, G>A on the plus strand (C>T on the coding strand, the complement: TSC1 is on the minus strand). VCF-style: chr9-132925742-G-A. GRCh37 (hg19) VCF-style: chr9-135801129-G-A.
Other names: c.-153-3C>T (NM_001362177.2); c.210+1459C>T (NM_001162427.2); c.211-3C>T (NM_001162426.2).
Identifiers: ClinVar variation 575485 (VCV000575485.7), dbSNP rs1564501920, ClinGen allele CA891843446.

ClinVar aggregate classification (germline): Uncertain significance. Review status: criteria provided, multiple submitters, no conflicts (2 of 4 stars). 2 submissions from 2 submitters: Uncertain significance (2). Last evaluated 2025-08-03.

Conditions:
Hereditary cancer-predisposing syndrome. Also called: Hereditary neoplastic syndrome; Tumor predisposition; Hereditary Cancer Syndrome; Neoplastic Syndromes, Hereditary. Identifiers: Orphanet 140162, MedGen C0027672, MeSH D009386, MONDO:0015356.
Tuberous sclerosis 1 (TSC1). Identifiers: Orphanet 805, MedGen C1854465, MONDO:0008612, OMIM 191100.

Allele frequency attached by ClinVar (database versions not stated): gnomAD exomes below 0.00001.
gnomAD v4.1: 4 of 1,614,132 alleles (0.00025%); highest among the groups gnomAD compares: Non-Finnish European, 0.00034%; no homozygotes.

Submissions (2):

Labcorp Genetics (formerly Invitae), Labcorp
Classification: Uncertain significance for Tuberous sclerosis 1. Last evaluated: 2025-08-03. Review status: criteria provided, single submitter. Criteria: Invitae Variant Classification Sherloc (09022015). Collection method: clinical testing. Allele origin: germline.
Comment: This sequence change falls in intron 4 of the TSC1 gene. It does not directly change the encoded amino acid sequence of the TSC1 protein. It affects a nucleotide within the consensus splice site. This variant is not present in population databases (gnomAD no frequency). This variant has not been reported in the literature in individuals affected with TSC1-related conditions. ClinVar contains an entry for this variant (Variation ID: 575485). Variants that disrupt the consensus splice site are a relatively common cause of aberrant splicing (PMID: 17576681, 9536098). Algorithms developed to predict the effect of sequence changes on RNA splicing suggest that this variant is not likely to affect RNA splicing. In summary, the available evidence is currently insufficient to determine the role of this variant in disease. Therefore, it has been classified as a Variant of Uncertain Significance.

Ambry Genetics
Classification: Uncertain significance for Hereditary cancer-predisposing syndrome. Last evaluated: 2025-01-11. Review status: criteria provided, single submitter. Criteria: Ambry Variant Classification Scheme 2023. Collection method: clinical testing. Allele origin: germline.
Comment: The c.211-3C>T intronic variant results from a C to T substitution 3 nucleotides upstream from coding exon 3 in the TSC1 gene. This nucleotide position is not well conserved in available vertebrate species. In silico splice site analysis for this alteration is inconclusive; and direct evidence is insufficient (Ambry internal data). Based on the available evidence, the clinical significance of this variant remains unclear.

Literature cited by the submitters: PubMed 17576681 (cited by Labcorp Genetics (formerly Invitae), Labcorp); PubMed 9536098 (cited by Labcorp Genetics (formerly Invitae), Labcorp).